The following is an entry in ClinVar:

NM_001366385.1(CARD14):c.2884C>T (p.Arg962Trp)

Genes: SGSH (N-sulfoglucosamine sulfohydrolase; minus strand), CARD14 (caspase recruitment domain family member 14; plus strand). Cytogenetic location: 17q25.3.
Variant type: single nucleotide variant.
Coding change: c.2884C>T on transcript NM_001366385.1 (MANE Select); coding-DNA position 2884, C replaced by T.
Protein change: p.Arg962Trp; replaces arginine 962 with tryptophan.
Molecular consequence: missense variant. On other transcripts: non-coding transcript variant (1).
Genome position (GRCh38, 1-based): chr17:80,208,214, C>T. VCF-style: chr17-80208214-C-T. GRCh37 (hg19) VCF-style: chr17-78182013-C-T.
Other names: c.2884C>T, p.Arg962Trp (NM_024110.4); c.2884C>T (NM_024110.3); short protein forms R962W.
Identifiers: ClinVar variation 1347490 (VCV001347490.14), dbSNP rs768891477, ClinGen allele CA8817500.

ClinVar aggregate classification (germline): Conflicting classifications of pathogenicity. Review status: criteria provided, conflicting classifications (1 of 4 stars). 4 submissions from 4 submitters: Uncertain significance (2); Likely benign (1). 1 of the submissions does not count toward it. Last evaluated 2026-01-22.

Conditions:
CARD14-related disorder. Also called: CARD14-related condition.
Inborn genetic diseases. Identifiers: MedGen C0950123, MeSH D030342.
Autoinflammatory syndrome. Identifiers: Orphanet 93665, MedGen C3890737, MONDO:0019751.
Pityriasis rubra pilaris (PRP). Also called: Pityriasis rubra pilaris--familial type. Identifiers: Orphanet 2897, MedGen C0032027, MONDO:0100017, OMIM 173200, MONDO:0008251.
Psoriasis 2. Identifiers: MedGen C1864497, MONDO:0011269, OMIM 602723.

Allele frequency attached by ClinVar (database versions not stated): gnomAD exomes 0.00002 and 0.00005; ExAC 0.00014; gnomAD 0.00023 and 0.00025.
gnomAD v4.1: 62 of 1,559,066 alleles (0.004%); highest among the groups gnomAD compares: African/African-American, 0.063%; no homozygotes.

Submissions (4):

Labcorp Genetics (formerly Invitae), Labcorp
Classification: Likely benign for Pityriasis rubra pilaris; Psoriasis 2. Last evaluated: 2026-01-22. Review status: criteria provided, single submitter. Criteria: Invitae Variant Classification Sherloc (09022015). Collection method: clinical testing. Allele origin: germline.

Ambry Genetics
Classification: Uncertain significance for Inborn genetic diseases. Last evaluated: 2025-09-04. Review status: criteria provided, single submitter. Criteria: Ambry Variant Classification Scheme 2023. Collection method: clinical testing. Allele origin: germline.

Genome Diagnostics Laboratory, The Hospital for Sick Children
Classification: Uncertain significance for Autoinflammatory syndrome. Last evaluated: 2020-02-01. Review status: criteria provided, single submitter. Criteria: ACMG Guidelines, 2015. Collection method: clinical testing. Allele origin: germline. Affected: yes.

PreventionGenetics, part of Exact Sciences
Classification: Uncertain significance for CARD14-related condition. Last evaluated: 2023-11-07. Review status: no assertion criteria provided. Collection method: clinical testing. Allele origin: germline. Not counted in ClinVar's aggregate classification.
Comment: The CARD14 c.2884C>T variant is predicted to result in the amino acid substitution p.Arg962Trp. To our knowledge, this variant has not been reported in the literature. This variant is reported in 0.053% of alleles in individuals of African descent in gnomAD. Although we suspect that this variant may be benign, at this time, the clinical significance of this variant is uncertain due to the absence of conclusive functional and genetic evidence.